The following is an entry in ClinVar:

NM_080860.4(RSPH1):c.446C>T (p.Thr149Met)

Gene: RSPH1 (radial spoke head component 1; minus strand). Cytogenetic location: 21q22.3.
Variant type: single nucleotide variant.
Coding change: c.446C>T on transcript NM_080860.4 (MANE Select); coding-DNA position 446, C replaced by T.
Protein change: p.Thr149Met; replaces threonine 149 with methionine.
Molecular consequence: missense variant.
Genome position (GRCh38, 1-based): chr21:42,485,724, G>A on the plus strand (C>T on the coding strand, the complement: RSPH1 is on the minus strand). VCF-style: chr21-42485724-G-A. GRCh37 (hg19) VCF-style: chr21-43905834-G-A.
Other names: c.446C>T (NM_080860.3); c.332C>T, p.Thr111Met (NM_001286506.2); short protein forms T149M, T111M.
Identifiers: ClinVar variation 2183893 (VCV002183893.3), dbSNP rs376829214, ClinGen allele CA10043935.

ClinVar aggregate classification (germline): Uncertain significance. Review status: criteria provided, multiple submitters, no conflicts (2 of 4 stars). 2 submissions from 2 submitters: Uncertain significance (2). Last evaluated 2025-10-23.

Conditions:
Primary ciliary dyskinesia. Also called: Ciliary dyskinesia. Identifiers: Orphanet 244, MedGen C0008780, MONDO:0016575, HP:0012265.

Allele frequency attached by ClinVar (database versions not stated): ExAC 0.00002; gnomAD 0.00005; ESP Exome Variant Server 0.00008; TOPMed 0.00008.

Submissions (2):

Labcorp Genetics (formerly Invitae), Labcorp
Classification: Uncertain significance for Primary ciliary dyskinesia. Last evaluated: 2025-10-23. Review status: criteria provided, single submitter. Criteria: Invitae Variant Classification Sherloc (09022015). Collection method: clinical testing. Allele origin: germline.
Comment: This sequence change replaces threonine, which is neutral and polar, with methionine, which is neutral and non-polar, at codon 149 of the RSPH1 protein (p.Thr149Met). This variant is present in population databases (rs376829214, gnomAD 0.02%). This variant has not been reported in the literature in individuals affected with RSPH1-related conditions. ClinVar contains an entry for this variant (Variation ID: 2183893). An algorithm developed to predict the effect of missense changes on protein structure and function (PolyPhen-2) suggests that this variant is likely to be tolerated. In summary, the available evidence is currently insufficient to determine the role of this variant in disease. Therefore, it has been classified as a Variant of Uncertain Significance.

GeneDx
Classification: Uncertain significance. Last evaluated: 2025-04-14. Review status: criteria provided, single submitter. Criteria: GeneDx Variant Classification Process June 2021. Collection method: clinical testing. Allele origin: germline. Affected: yes.
Comment: In silico analysis indicates that this missense variant does not alter protein structure/function; Has not been previously published as pathogenic or benign to our knowledge